The following is an entry in ClinVar:

ClinVar aggregate classification (germline): Uncertain significance (1 of 4 stars; one submission).

Conditions:
Cardiovascular phenotype. Identifiers: MedGen CN230736.

Allele frequency attached by ClinVar (database versions not stated): gnomAD exomes below 0.00001; TOPMed below 0.00001.
gnomAD v4.1: 1 of 1,613,896 alleles (0.000062%); highest among the groups gnomAD compares: South Asian, 0.0011%; no homozygotes.

Submission:

Ambry Genetics
Classification: Uncertain significance for Cardiovascular phenotype. Last evaluated: 2024-02-17. Review status: criteria provided, single submitter. Criteria: Ambry Variant Classification Scheme 2023. Collection method: clinical testing. Allele origin: germline.
Comment: The p.F281S variant (also known as c.842T>C), located in coding exon 7 of the NEXN gene, results from a T to C substitution at nucleotide position 842. The phenylalanine at codon 281 is replaced by serine, an amino acid with highly dissimilar properties. This amino acid position is conserved. In addition, this alteration is predicted to be deleterious by in silico analysis. Since supporting evidence is limited at this time, the clinical significance of this alteration remains unclear.

NM_144573.4(NEXN):c.842T>C (p.Phe281Ser)

Gene: NEXN (nexilin F-actin binding protein; plus strand). Cytogenetic location: 1p31.1.
Variant type: single nucleotide variant.
Coding change: c.842T>C on transcript NM_144573.4 (MANE Select); coding-DNA position 842, T replaced by C.
Protein change: p.Phe281Ser; replaces phenylalanine 281 with serine.
Molecular consequence: missense variant.
Genome position (GRCh38, 1-based): chr1:77,926,870, T>C. VCF-style: chr1-77926870-T-C. GRCh37 (hg19) VCF-style: chr1-78392555-T-C.
Other names: c.650T>C, p.Phe217Ser (NM_001172309.2); short protein forms F281S, F217S.
Identifiers: ClinVar variation 1763354 (VCV001763354.2), dbSNP rs1345711555, ClinGen allele CA340874608.
Genomic context (GRCh38, chr1:77,926,870, plus strand): 5'-ACCGAAAGAAGCAAGCTGAAGAGGAAGCAAGAAAACGTTTAGAAGAAGAGAAGCGTGCTT[T>C]TGAAGAAGCAAGGCGGCAAATGGTAAATCTACATATTTAAACCTTACAATTAATATTAAT-3'
Protein context (NP_653174.3, residues 271-291): RKRLEEEKRA[Phe281Ser]EEARRQMVNE